The following is an entry in ClinVar:

NM_001145715.3(KPNA7):c.1531G>A (p.Glu511Lys)

Gene: KPNA7 (karyopherin subunit alpha 7; minus strand). Cytogenetic location: 7q22.1.
Variant type: single nucleotide variant.
Coding change: c.1531G>A on transcript NM_001145715.3 (MANE Select); coding-DNA position 1531, G replaced by A.
Protein change: p.Glu511Lys; replaces glutamic acid 511 with lysine.
Molecular consequence: missense variant.
Genome position (GRCh38, 1-based): chr7:99,173,728, C>T on the plus strand (G>A on the coding strand, the complement: KPNA7 is on the minus strand). VCF-style: chr7-99173728-C-T. GRCh37 (hg19) VCF-style: chr7-98771351-C-T.
Other names: short protein forms E511K.
Identifiers: ClinVar variation 1018870 (VCV001018870.4), dbSNP rs367591876, ClinGen allele CA4363078.
Genomic context (GRCh38, chr7:99,173,728, plus strand): 5'-TTTAGCACTGGGTTGTTGGTTTAGGAGGTAGGGAGCTTGGCTATTTTTTTGCTAAGCATT[C>T]ATAATCTATAAATTCATAATCTTGGTCTATGACTTGGCTCAGTAAAGTTTGGCTCTCATC-3'
Protein context (NP_001139187.1, residues 501-516): IDQDYEFIDY[Glu511Lys]CLAKK

ClinVar aggregate classification (germline): Uncertain significance (1 of 4 stars; one submission).

Allele frequency attached by ClinVar (database versions not stated): gnomAD 0.00001; gnomAD exomes 0.00001; TOPMed 0.00002; ExAC 0.00004; ESP Exome Variant Server 0.00022.
gnomAD v4.1: 15 of 1,551,214 alleles (0.00097%); highest among the groups gnomAD compares: Middle Eastern, 0.1%; no homozygotes.

Submission:

Labcorp Genetics (formerly Invitae), Labcorp
Classification: Uncertain significance. Last evaluated: 2022-07-26. Review status: criteria provided, single submitter. Criteria: Invitae Variant Classification Sherloc (09022015). Collection method: clinical testing. Allele origin: germline.
Comment: This sequence change replaces glutamic acid, which is acidic and polar, with lysine, which is basic and polar, at codon 511 of the KPNA7 protein (p.Glu511Lys). This variant is present in population databases (rs367591876, gnomAD 0.005%). This variant has not been reported in the literature in individuals affected with KPNA7-related conditions. ClinVar contains an entry for this variant (Variation ID: 1018870). Algorithms developed to predict the effect of missense changes on protein structure and function (SIFT, PolyPhen-2, Align-GVGD) all suggest that this variant is likely to be tolerated. In summary, the available evidence is currently insufficient to determine the role of this variant in disease. Therefore, it has been classified as a Variant of Uncertain Significance.